The following is an entry in ClinVar:

NM_004614.5(TK2):c.204A>C (p.Glu68Asp)

Gene: TK2 (thymidine kinase 2; minus strand). Cytogenetic location: 16q21.
Variant type: single nucleotide variant.
Coding change: c.204A>C on transcript NM_004614.5 (MANE Select); coding-DNA position 204, A replaced by C.
Protein change: p.Glu68Asp; replaces glutamic acid 68 with aspartic acid.
Molecular consequence: missense variant. On other transcripts: 5 prime UTR variant (1), non-coding transcript variant (1), intron variant (1).
Genome position (GRCh38, 1-based): chr16:66,541,906, T>G on the plus strand (A>C on the coding strand, the complement: TK2 is on the minus strand). VCF-style: chr16-66541906-T-G. GRCh37 (hg19) VCF-style: chr16-66575809-T-G.
Other names: c.111A>C, p.Glu37Asp (NM_001172643.1, NM_001271935.1); c.204A>C, p.Glu68Asp (NM_001172645.2); c.57A>C, p.Glu19Asp (NM_001271934.2); c.-88A>C (NM_001272050.2); c.157-4889A>C (NM_001172644.2); short protein forms E19D, E68D, E37D.
Identifiers: ClinVar variation 1387344 (VCV001387344.8), dbSNP rs2144460528, ClinGen allele CA396192504.

ClinVar aggregate classification (germline): Uncertain significance (1 of 4 stars; one submission).

Allele frequency attached by ClinVar (database versions not stated): gnomAD exomes below 0.00001.
gnomAD v4.1: 1 of 1,614,130 alleles (0.000062%); highest among the groups gnomAD compares: Non-Finnish European, 0.000085%; no homozygotes.

Submission:

Labcorp Genetics (formerly Invitae), Labcorp
Classification: Uncertain significance. Last evaluated: 2022-07-11. Review status: criteria provided, single submitter. Criteria: Invitae Variant Classification Sherloc (09022015). Collection method: clinical testing. Allele origin: germline.
Comment: In summary, the available evidence is currently insufficient to determine the role of this variant in disease. Therefore, it has been classified as a Variant of Uncertain Significance. Advanced modeling of protein sequence and biophysical properties (such as structural, functional, and spatial information, amino acid conservation, physicochemical variation, residue mobility, and thermodynamic stability) performed at Invitae indicates that this missense variant is not expected to disrupt TK2 protein function. ClinVar contains an entry for this variant (Variation ID: 1387344). This variant has not been reported in the literature in individuals affected with TK2-related conditions. This variant is not present in population databases (gnomAD no frequency). This sequence change replaces glutamic acid, which is acidic and polar, with aspartic acid, which is acidic and polar, at codon 68 of the TK2 protein (p.Glu68Asp).